The following is an entry in ClinVar:

ClinVar aggregate classification (germline): Uncertain significance (1 of 4 stars; one submission).

Allele frequency attached by ClinVar (database versions not stated): gnomAD exomes below 0.00001; TOPMed below 0.00001.
gnomAD v4.1: 1 of 1,521,834 alleles (0.000066%); highest among the groups gnomAD compares: African/African-American, 0.0014%; no homozygotes.

Submission:

GeneDx
Classification: Uncertain significance. Last evaluated: 2022-12-08. Review status: criteria provided, single submitter. Criteria: GeneDx Variant Classification Process June 2021. Collection method: clinical testing. Allele origin: germline. Affected: yes.
Comment: In silico analysis supports that this missense variant has a deleterious effect on protein structure/function; Has not been previously published as pathogenic or benign to our knowledge

NM_002430.3(MN1):c.956G>A (p.Gly319Glu)

Gene: MN1 (MN1 proto-oncogene, transcriptional regulator; minus strand). Cytogenetic location: 22q12.1.
Variant type: single nucleotide variant.
Coding change: c.956G>A on transcript NM_002430.3 (MANE Select); coding-DNA position 956, G replaced by A.
Protein change: p.Gly319Glu; replaces glycine 319 with glutamic acid.
Molecular consequence: missense variant.
Genome position (GRCh38, 1-based): chr22:27,799,588, C>T on the plus strand (G>A on the coding strand, the complement: MN1 is on the minus strand). VCF-style: chr22-27799588-C-T. GRCh37 (hg19) VCF-style: chr22-28195576-C-T.
Other names: short protein forms G319E.
Identifiers: ClinVar variation 2505032 (VCV002505032.1), dbSNP rs1420961832, ClinGen allele CA411049659.